The following is an entry in ClinVar:

NM_000890.5(KCNJ5):c.451G>A (p.Gly151Arg)

Gene: KCNJ5 (potassium inwardly rectifying channel subfamily J member 5; plus strand). Cytogenetic location: 11q24.3.
Variant type: single nucleotide variant.
Coding change: c.451G>A on transcript NM_000890.5 (MANE Select); coding-DNA position 451, G replaced by A.
Protein change: p.Gly151Arg; replaces glycine 151 with arginine.
Molecular consequence: missense variant.
Genome position (GRCh38, 1-based): chr11:128,911,724, G>A. VCF-style: chr11-128911724-G-A. GRCh37 (hg19) VCF-style: chr11-128781619-G-A.
Other names: c.451G>A, p.Gly151Arg (NM_001354169.2); c.451G>A (LRG_333t1); short protein forms G151R.
Identifiers: ClinVar variation 91915 (VCV000091915.9), dbSNP rs386352319, ClinGen allele CA163129.
Genomic context (GRCh38, chr11:128,911,724, plus strand): 5'-GAAAACCTCAGTGGCTTCGTGTCCGCTTTCCTGTTCTCCATTGAGACCGAAACAACCATT[G>A]GGTATGGCTTCCGAGTCATCACAGAGAAGTGTCCAGAGGGGATTATACTCCTCTTGGTCC-3'
Protein context (NP_000881.3, residues 141-161): LFSIETETTI[Gly151Arg]YGFRVITEKC

ClinVar aggregate classification (germline): Pathogenic. Review status: criteria provided, multiple submitters, no conflicts (2 of 4 stars). 7 submissions from 6 submitters: Pathogenic (4). 3 of the submissions do not count toward it. Last evaluated 2025-06-12.

Conditions:
Aldosterone-producing adrenal adenoma, somatic. Identifiers: MedGen C4017656.
Cardiovascular phenotype. Identifiers: MedGen CN230736.
Long QT syndrome (LQTS). Identifiers: MedGen C0023976, MeSH D008133, MONDO:0002442. Disease mechanism: loss of function. Inheritance: Various modes of inheritance.
Familial hyperaldosteronism type III. Also called: Familial hyperaldosteronism type 3; FH III. Identifiers: Orphanet 251274, MedGen C3838758, MONDO:0013359, OMIM 613677.

Submissions (7):

Labcorp Genetics (formerly Invitae), Labcorp
Classification: Pathogenic for Long QT syndrome. Last evaluated: 2025-06-12. Review status: criteria provided, single submitter. Criteria: Invitae Variant Classification Sherloc (09022015). Collection method: clinical testing. Allele origin: germline.
Comment: This sequence change replaces glycine, which is neutral and non-polar, with arginine, which is basic and polar, at codon 151 of the KCNJ5 protein (p.Gly151Arg). This variant is not present in population databases (gnomAD no frequency). This missense change has been observed in individual(s) with clinical features of KCNJ5-related conditions (PMID: 22308486, 24819081). In at least one individual the variant was observed to be de novo. It has also been observed to segregate with disease in related individuals. ClinVar contains an entry for this variant (Variation ID: 91915). Invitae Evidence Modeling of protein sequence and biophysical properties (such as structural, functional, and spatial information, amino acid conservation, physicochemical variation, residue mobility, and thermodynamic stability) indicates that this missense variant is expected to disrupt KCNJ5 protein function with a positive predictive value of 80%. This variant disrupts the p.Gly151 amino acid residue in KCNJ5. Other variant(s) that disrupt this residue have been determined to be pathogenic (PMID: 22203740, 22308486). This suggests that this residue is clinically significant, and that variants that disrupt this residue are likely to be disease-causing. For these reasons, this variant has been classified as Pathogenic.

Baylor Genetics
Classification: Pathogenic for Familial hyperaldosteronism type III. Last evaluated: 2019-08-16. Review status: criteria provided, single submitter. Criteria: ACMG Guidelines, 2015. Collection method: clinical testing. Allele origin: unknown. Affected: yes.
Comment: This variant was determined to be pathogenic according to ACMG Guidelines, 2015 [PMID:25741868].

Ambry Genetics
Classification: Pathogenic for Cardiovascular phenotype. Last evaluated: 2018-06-08. Review status: criteria provided, single submitter. Criteria: Ambry Variant Classification Scheme 2023. Collection method: clinical testing. Allele origin: germline.
Comment: The p.G151R pathogenic mutation (also known as c.451G>A), located in coding exon 1 of the KCNJ5 gene, results from a G to A substitution at nucleotide position 451. The glycine at codon 151 is replaced by arginine, an amino acid with dissimilar properties. This alteration impacts the highly conserved ion selectivity filter (TIGYGF) located between transmembrane helices S5 and S6. This variant has been identified in multiple individuals with familial hyperaldosteronism type III (FH-III) and was reported to be de novo in several of them (Scholl UI et al. Proc. Natl. Acad. Sci. U.S.A. 2012;109:2533-8; Adachi M et al. Horm Res Paediatr. 2014;82:138-42; Monticone S et al. J Hum Hypertens. 2017;31:776-781). Functional studies suggest G151R leads to increased sodium conductance (Scholl UI et al. Proc. Natl. Acad. Sci. U.S.A. 2012;109:2533-8; Tauber P et al. Endocrinology. 2014;155:1353-62). In addition, internal structural analysis indicates that this variant disrupts the ion channel pore and is expected to eliminate the K+ selectivity of the K+ channel (Tao X et al. Science. 2009;326(5960):1668-74; Whorton MR and MacKinnon R. Cell. 2011;147(1):199-208; Ambry internal data). Based on the supporting evidence, this alteration is interpreted as a disease-causing mutation.

Clinical Genetics Service, Universitary Hospital 12 de Octubre
Classification: Pathogenic for Familial hyperaldosteronism type III. Review status: criteria provided, single submitter. Criteria: ACMG Guidelines, 2015. Collection method: clinical testing. Allele origin: germline. Affected: yes.

OMIM
Classification: Pathogenic for ALDOSTERONE-PRODUCING ADRENAL ADENOMA, SOMATIC. Last evaluated: 2012-02-14. Review status: no assertion criteria provided. Collection method: literature only. Allele origin: somatic. Not counted in ClinVar's aggregate classification.

OMIM
Classification: Pathogenic for HYPERALDOSTERONISM, FAMILIAL, TYPE III. Last evaluated: 2012-02-14. Review status: no assertion criteria provided. Collection method: literature only. Allele origin: unknown. Not counted in ClinVar's aggregate classification.

Richard Lifton Laboratory, Yale University School of Medicine
Classification: Likely pathogenic. Review status: no assertion criteria provided. Collection method: not provided. Allele origin: somatic. Not counted in ClinVar's aggregate classification.
Comment: KCNJ5
ClinVar note: Converted during submission from probable-pathogenic to Likely pathogenic.

Literature cited by the submitters: PubMed 22308486 (cited by 3 submitters); PubMed 24819081 (cited by Labcorp Genetics (formerly Invitae), Labcorp and Ambry Genetics); PubMed 22203740 (cited by Labcorp Genetics (formerly Invitae), Labcorp and OMIM); PubMed 24506072 (cited by Ambry Genetics); PubMed 28447626 (cited by Ambry Genetics); PubMed 21311022 (cited by OMIM).